The following is an entry in ClinVar:

NM_000458.4(HNF1B):c.891C>G (p.Tyr297Ter)

Gene: HNF1B (HNF1 homeobox B; minus strand). Cytogenetic location: 17q12.
Variant type: single nucleotide variant.
Coding change: c.891C>G on transcript NM_000458.4 (MANE Select); coding-DNA position 891, C replaced by G.
Protein change: p.Tyr297Ter; replaces tyrosine 297 with a stop codon.
Molecular consequence: nonsense.
Genome position (GRCh38, 1-based): chr17:37,731,749, G>C on the plus strand (C>G on the coding strand, the complement: HNF1B is on the minus strand). VCF-style: chr17-37731749-G-C. GRCh37 (hg19) VCF-style: chr17-36091740-G-C.
Other names: c.813C>G, p.Tyr271Ter (NM_001165923.4, NM_001304286.2); c.891C>G, p.Tyr297Ter (NM_001411100.1); short protein forms Y271*, Y297*.
Identifiers: ClinVar variation 4532203 (VCV004532203.1).

ClinVar aggregate classification (germline): Likely pathogenic (1 of 4 stars; one submission).

Conditions:
Renal cysts and diabetes syndrome (RCAD). Also called: MATURITY-ONSET DIABETES OF THE YOUNG, TYPE 5; Familial hypoplastic, glomerulocystic kidney. Identifiers: Orphanet 93111, MedGen C0431693, MONDO:0007669, OMIM 137920.

Submission:

MVZ Medizinische Genetik Mainz
Classification: Likely pathogenic for Renal cysts and diabetes syndrome. Last evaluated: 2025-10-23. Review status: criteria provided, single submitter. Criteria: UK Practice Guidelines For Variant Classification V4 01 2020. Collection method: clinical testing. Allele origin: germline. Inheritance: Autosomal dominant inheritance. Affected: yes. Observed: 1 variant allele.
Comment: ACMG Criteria: PVS1,PM2_SUP